The following is an entry in ClinVar:

ClinVar aggregate classification (germline): not provided (0 of 4 stars; one submission).

Submission:

ITMI
No classification provided. Condition: AllHighlyPenetrant. Last evaluated: 2013-09-19. Review status: no classification provided. Collection method: reference population. Allele origin: germline.
Comment: Please see associated publication for description of ethnicities

Literature cited by the submitters: PubMed 24728327.

NM_006015.6(ARID1A):c.5248T>A (p.Phe1750Ile)

Gene: ARID1A (AT-rich interaction domain 1A; plus strand). Cytogenetic location: 1p36.11.
Variant type: single nucleotide variant.
Coding change: c.5248T>A on transcript NM_006015.6 (MANE Select); coding-DNA position 5248, T replaced by A.
Protein change: p.Phe1750Ile; replaces phenylalanine 1750 with isoleucine.
Molecular consequence: missense variant.
Genome position (GRCh38, 1-based): chr1:26,779,146, T>A. VCF-style: chr1-26779146-T-A. GRCh37 (hg19) VCF-style: chr1-27105637-T-A.
Other names: c.4597T>A, p.Phe1533Ile (NM_139135.4); short protein forms F1750I, F1533I.
Identifiers: ClinVar variation 133554 (VCV000133554.1), dbSNP rs587778053, ClinGen allele CA156933.